The following is an entry in ClinVar:

ClinVar aggregate classification (germline): Conflicting classifications of pathogenicity. Review status: criteria provided, conflicting classifications (1 of 4 stars). 4 submissions from 4 submitters: Likely pathogenic (1); Uncertain significance (3). Last evaluated 2025-08-07.

Conditions:
Arrhythmogenic cardiomyopathy with wooly hair and keratoderma. Also called: Arrhythmogenic cardiomyopathy with woolly hair and keratoderma; Carvajal syndrome; Dilated cardiomyopathy with woolly hair and keratoderma; PALMOPLANTAR KERATODERMA WITH LEFT VENTRICULAR CARDIOMYOPATHY AND WOOLLY HAIR. Identifiers: Orphanet 65282, MedGen C1854063, MONDO:0011581, OMIM 605676.

Submissions (4):

GeneDx
Classification: Uncertain significance. Last evaluated: 2025-08-07. Review status: criteria provided, single submitter. Criteria: GeneDx Variant Classification Process June 2021. Collection method: clinical testing. Allele origin: germline. Affected: yes.
Comment: Identified in patients with arrhythmogenic cardiomyopathy in published literature (PMID: 28527814, 27532257, 21606390, 19095136); Not observed at significant frequency in large population cohorts (gnomAD); In silico analysis supports that this missense variant has a deleterious effect on protein structure/function; This variant is associated with the following publications: (PMID: 21606390, 31402444, 27532257, 19095136, 28527814)

CeGaT Center for Human Genetics Tuebingen
Classification: Uncertain significance. Last evaluated: 2024-07-01. Review status: criteria provided, single submitter. Criteria: CeGaT Center For Human Genetics Tuebingen Variant Classification Criteria Version 2. Collection method: clinical testing. Allele origin: germline. Affected: yes. Observed: 5 variant alleles.
Comment: DSP: PM2, PS4:Moderate, PS3:Supporting

All of Us Research Program, National Institutes of Health
Classification: Uncertain significance for Arrhythmogenic cardiomyopathy with wooly hair and keratoderma. Last evaluated: 2023-05-31. Review status: criteria provided, single submitter. Criteria: ACMG Guidelines, 2015. Collection method: clinical testing. Allele origin: germline. Inheritance: Autosomal dominant inheritance. Observed: 1 variant allele, 1 heterozygote.
Comment: This study involves interpretation of variants in research participants for the purpose of population health screening. Participant phenotype was not available at the time of variant classification. Additional details can be found in publication PMID: 35346344, PMCID: PMC8962531

Institute of Medical Genetics and Applied Genomics, University Hospital Tübingen
Classification: Likely pathogenic. Last evaluated: 2020-10-23. Review status: criteria provided, single submitter. Criteria: ACMG Guidelines, 2015. Collection method: clinical testing. Allele origin: germline. Inheritance: Autosomal unknown. Affected: yes.

NM_004415.4(DSP):c.1325C>T (p.Ser442Phe)

Gene: DSP (desmoplakin; plus strand). Cytogenetic location: 6p24.3.
Variant type: single nucleotide variant.
Coding change: c.1325C>T on transcript NM_004415.4 (MANE Select); coding-DNA position 1325, C replaced by T.
Protein change: p.Ser442Phe; replaces serine 442 with phenylalanine.
Molecular consequence: missense variant.
Genome position (GRCh38, 1-based): chr6:7,568,495, C>T. VCF-style: chr6-7568495-C-T. GRCh37 (hg19) VCF-style: chr6-7568728-C-T.
Other names: c.1325C>T, p.Ser442Phe (NM_001008844.3, NM_001319034.2); c.1325C>T (NM_004415.2); short protein forms S442F.
Identifiers: ClinVar variation 986814 (VCV000986814.23), dbSNP rs1321159751, ClinGen allele CA362676439.